The following is an entry in ClinVar:

ClinVar aggregate classification (germline): Likely benign. Review status: reviewed by expert panel (3 of 4 stars). 8 submissions from 7 submitters: Likely benign (1). 7 of the submissions do not count toward it. Last evaluated 2017-06-29.

Conditions:
Hereditary cancer-predisposing syndrome. Also called: Hereditary neoplastic syndrome; Tumor predisposition; Hereditary Cancer Syndrome; Neoplastic Syndromes, Hereditary. Identifiers: Orphanet 140162, MedGen C0027672, MeSH D009386, MONDO:0015356.
Hereditary breast ovarian cancer syndrome. Also called: Breast and ovarian cancer; Hereditary breast and ovarian cancer syndrome; Hereditary breast and ovarian cancer; Hereditary breast and ovarian cancer syndrome (HBOC); Hereditary breast and/or ovarian cancer syndrome; BRCA1- and BRCA2-Associated Hereditary Breast and Ovarian Cancer. Identifiers: Orphanet 145, MedGen C0677776, MeSH D061325, MONDO:0003582. Disease mechanism: loss of function.
Breast-ovarian cancer, familial, susceptibility to, 2 (BROVCA2). Also called: BRCA2 Hereditary Breast and Ovarian Cancer. Identifiers: Orphanet 145, MedGen C2675520, MONDO:0012933, OMIM 612555. Disease mechanism: loss of function.
Fanconi anemia complementation group D1. Also called: BRCA2-Related Fanconi Anemia. Identifiers: Orphanet 319462, MedGen C1838457, MONDO:0011584, OMIM 605724.

Allele frequency attached by ClinVar (database versions not stated): ExAC 0.00002; gnomAD exomes 0.00001.
gnomAD v4.1: 10 of 1,613,544 alleles (0.00062%); highest among the groups gnomAD compares: South Asian, 0.0099%; no homozygotes.

Submissions (8):

Evidence-based Network for the Interpretation of Germline Mutant Alleles (ENIGMA)
Classification: Likely benign for Breast-ovarian cancer, familial, susceptibility to, 2. Last evaluated: 2017-06-29. Review status: reviewed by expert panel. Criteria: ENIGMA BRCA1/2 Classification Criteria (2017-06-29). Collection method: curation. Allele origin: germline.
Comment: Synonymous substitution variant, with low bioinformatic likelihood to result in a splicing aberration (Splicing prior probability 0.02).

Labcorp Genetics (formerly Invitae), Labcorp
Classification: Likely benign for Hereditary breast ovarian cancer syndrome. Last evaluated: 2025-09-11. Review status: criteria provided, single submitter. Criteria: Invitae Variant Classification Sherloc (09022015). Collection method: clinical testing. Allele origin: germline. Not counted in ClinVar's aggregate classification.

CeGaT Center for Human Genetics Tuebingen
Classification: Likely benign. Last evaluated: 2025-06-01. Review status: criteria provided, single submitter. Criteria: CeGaT Center For Human Genetics Tuebingen Variant Classification Criteria Version 2. Collection method: clinical testing. Allele origin: germline. Affected: yes. Observed: 2 variant alleles. Not counted in ClinVar's aggregate classification.
Comment: BRCA2: BP4, BP7

Blueprint Genetics
Classification: Likely benign. Last evaluated: 2023-10-02. Review status: criteria provided, single submitter. Criteria: ACMG Guidelines, 2015. Collection method: clinical testing. Allele origin: germline. Not counted in ClinVar's aggregate classification.

Color Diagnostics, LLC DBA Color Health
Classification: Likely benign for Hereditary cancer-predisposing syndrome. Last evaluated: 2022-12-13. Review status: criteria provided, single submitter. Criteria: ACMG Guidelines, 2015. Collection method: clinical testing. Allele origin: germline. Not counted in ClinVar's aggregate classification.

Illumina Laboratory Services, Illumina
Classification: Uncertain significance for Fanconi anemia complementation group D1. Last evaluated: 2018-01-13. Review status: criteria provided, single submitter. Criteria: ICSL Variant Classification Criteria 13 December 2019. Collection method: clinical testing. Allele origin: germline. Not counted in ClinVar's aggregate classification.

Illumina Laboratory Services, Illumina
Classification: Uncertain significance for Breast-ovarian cancer, familial, susceptibility to, 2. Last evaluated: 2018-01-13. Review status: criteria provided, single submitter. Criteria: ICSL Variant Classification Criteria 13 December 2019. Collection method: clinical testing. Allele origin: germline. Not counted in ClinVar's aggregate classification.

Ambry Genetics
Classification: Likely benign for Hereditary cancer-predisposing syndrome. Last evaluated: 2015-12-10. Review status: criteria provided, single submitter. Criteria: Ambry Variant Classification Scheme 2023. Collection method: clinical testing. Allele origin: germline. Not counted in ClinVar's aggregate classification.

NM_000059.4(BRCA2):c.7104G>A (p.Leu2368=)

Gene: BRCA2 (BRCA2 DNA repair associated; plus strand). Cytogenetic location: 13q13.1.
Variant type: single nucleotide variant.
Coding change: c.7104G>A on transcript NM_000059.4 (MANE Select); coding-DNA position 7104, G replaced by A.
Protein change: p.Leu2368=; no amino-acid change (leucine 2368 retained).
Molecular consequence: synonymous variant.
Genome position (GRCh38, 1-based): chr13:32,354,957, G>A. VCF-style: chr13-32354957-G-A. GRCh37 (hg19) VCF-style: chr13-32929094-G-A.
Identifiers: ClinVar variation 427494 (VCV000427494.30), dbSNP rs764698623, ClinGen allele CA6941059.